The following is an entry in ClinVar:

ClinVar aggregate classification (germline): Uncertain significance (1 of 4 stars; one submission).

Conditions:
Hereditary cancer-predisposing syndrome. Also called: Hereditary Cancer Syndrome; Hereditary neoplastic syndrome; Neoplastic Syndromes, Hereditary; Tumor predisposition. Identifiers: Orphanet 140162, MedGen C0027672, MeSH D009386, MONDO:0015356.

Submission:

Ambry Genetics
Classification: Uncertain significance for Hereditary cancer-predisposing syndrome. Last evaluated: 2022-05-04. Review status: criteria provided, single submitter. Criteria: Ambry Variant Classification Scheme 2023. Collection method: clinical testing. Allele origin: germline.
Comment: The p.N1519K variant (also known as c.4557T>G), located in coding exon 29 of the ALK gene, results from a T to G substitution at nucleotide position 4557. The asparagine at codon 1519 is replaced by lysine, an amino acid with similar properties. This amino acid position is conserved. In addition, this alteration is predicted to be tolerated by in silico analysis. Since supporting evidence is limited at this time, the clinical significance of this alteration remains unclear.

NM_004304.5(ALK):c.4557T>G (p.Asn1519Lys)

Gene: ALK (ALK receptor tyrosine kinase; minus strand). Cytogenetic location: 2p23.2.
Variant type: single nucleotide variant.
Coding change: c.4557T>G on transcript NM_004304.5 (MANE Select); coding-DNA position 4557, T replaced by G.
Protein change: p.Asn1519Lys; replaces asparagine 1519 with lysine.
Molecular consequence: missense variant.
Genome position (GRCh38, 1-based): chr2:29,193,530, A>C on the plus strand (T>G on the coding strand, the complement: ALK is on the minus strand). VCF-style: chr2-29193530-A-C. GRCh37 (hg19) VCF-style: chr2-29416396-A-C.
Other names: c.1353T>G, p.Asn451Lys (NM_001353765.2); short protein forms N1519K, N451K.
Identifiers: ClinVar variation 1741466 (VCV001741466.2), dbSNP rs1668936067, ClinGen allele CA346460777.